The following is an entry in ClinVar:

NM_032444.4(SLX4):c.3726_3729del (p.Ser1243fs)

Gene: SLX4 (SLX4 structure-specific endonuclease subunit; minus strand). Cytogenetic location: 16p13.3.
Variant type: Deletion.
Coding change: c.3726_3729del on transcript NM_032444.4 (MANE Select); coding-DNA positions 3726 to 3729, 4 bases deleted (GAGC; older notation c.3726_3729delGAGC).
Protein change: p.Ser1243fs; shifts the reading frame from serine 1243.
Molecular consequence: frameshift variant.
Genome position (GRCh38, 1-based): chr16:3,589,909-3,589,912, GCTC deleted on the plus strand (GAGC on the coding strand, the reverse complement: SLX4 is on the minus strand). VCF-style (leftmost placement, unchanged base first): chr16-3589908-TGCTC-T. GRCh37 (hg19) VCF-style: chr16-3639909-TGCTC-T.
Other names: c.3726_3729del (LRG_503t1); short protein forms S1243fs.
Identifiers: ClinVar variation 241682 (VCV000241682.6), dbSNP rs878855162, ClinGen allele CA10583391.

ClinVar aggregate classification (germline): Pathogenic (1 of 4 stars; one submission).

Conditions:
Fanconi anemia (FA). Also called: Fanconi's anemia. Identifiers: Orphanet 84, MedGen C0015625, MeSH D005199, MONDO:0019391.

Submission:

Labcorp Genetics (formerly Invitae), Labcorp
Classification: Pathogenic for Fanconi anemia. Last evaluated: 2015-12-07. Review status: criteria provided, single submitter. Criteria: Invitae Variant Classification Sherloc (09022015). Collection method: clinical testing. Allele origin: germline.
Comment: For these reasons, this variant has been classified as Pathogenic. While this particular variant has not been reported in the literature, truncating variants in SLX4 are known to be pathogenic (PMID: 21240277). This sequence change deletes 4 nucleotide from exon 12 of the SLX4 mRNA (c.3726_3729delGAGC), causing a frameshift at codon 1243. This creates a premature translational stop signal (p.Ser1243Alafs*44) and is expected to result in an absent or disrupted protein product.

Literature cited by the submitters: PubMed 21240277.